The following is an entry in ClinVar:

NM_023110.3(FGFR1):c.1723_1731del (p.Ala575_Arg577del)

Gene: FGFR1 (fibroblast growth factor receptor 1; minus strand). Cytogenetic location: 8p11.23.
Variant type: Deletion.
Coding change: c.1723_1731del on transcript NM_023110.3 (MANE Select); coding-DNA positions 1723 to 1731, 9 bases deleted (GCCCGGAGG; older notation c.1723_1731delGCCCGGAGG).
Protein change: p.Ala575_Arg577del.
Molecular consequence: inframe deletion.
Genome position (GRCh38, 1-based): chr8:38,415,993-38,416,001, CCTCCGGGC deleted on the plus strand (GCCCGGAGG on the coding strand, the reverse complement: FGFR1 is on the minus strand); deleting any 9 consecutive bases within chr8:38,415,993-38,416,002 gives the same sequence; the c. name uses the placement nearest the transcript's 3' end. VCF-style (leftmost placement, unchanged base first): chr8-38415992-GCCTCCGGGC-G. GRCh37 (hg19) VCF-style: chr8-38273510-GCCTCCGGGC-G.
Other names: c.1723_1731delGCCCGGAGG (NM_023110.2); c.1717_1725del, p.Ala573_Arg575del (NM_001174063.2, NM_001174065.2, NM_001354367.2 and 1 more transcripts); c.1693_1701del, p.Ala565_Arg567del (NM_001174064.2); c.1456_1464del, p.Ala486_Arg488del (NM_001174066.2, NM_023105.3); c.1816_1824del, p.Ala606_Arg608del (NM_001174067.2); c.1444_1452del, p.Ala482_Arg484del (NM_001354368.2); c.1711_1719del, p.Ala571_Arg573del (NM_001354369.2); c.1450_1458del, p.Ala484_Arg486del (NM_001354370.2, NM_023106.3).
Identifiers: ClinVar variation 504443 (VCV000504443.2), dbSNP rs1554549926, ClinGen allele CA658797083.

ClinVar aggregate classification (germline): Uncertain significance (1 of 4 stars; one submission).

Submission:

GeneDx
Classification: Uncertain significance. Last evaluated: 2018-02-27. Review status: criteria provided, single submitter. Criteria: GeneDx Variant Classification (06012015). Collection method: clinical testing. Allele origin: germline. Affected: yes.
Comment: The c.1723_1731delGCCCGGAGG variant in the FGFR1 gene has not been reported previously as a pathogenic variant nor as a benign variant, to our knowledge. The c.1723_1731delGCCCGGAGG variant results in an in-frame deletion of codons Alanine 575 to Arginine 577, denoted p.A575_R577del. In silico analysis, which includes protein predictors and evolutionary conservation, supports a deleterious effect. The c.1723_1731delGCCCGGAGG variant is not observed in large population cohorts (Lek et al., 2016). We interpret c.1723_1731delGCCCGGAGG as a variant of uncertain significance